The following is an entry in ClinVar:

ClinVar aggregate classification (germline): Conflicting classifications of pathogenicity. Review status: criteria provided, conflicting classifications (1 of 4 stars). 4 submissions from 4 submitters: Likely pathogenic (2); Uncertain significance (2). Last evaluated 2025-02-04.

Conditions:
Hereditary nonpolyposis colorectal neoplasms. Identifiers: MedGen C0009405, MeSH D003123.
Lynch syndrome. Identifiers: Orphanet 144, MedGen C4552100, MONDO:0005835. Disease mechanism: loss of function.
Hereditary cancer-predisposing syndrome. Also called: Hereditary Cancer Syndrome; Neoplastic Syndromes, Hereditary; Tumor predisposition; Hereditary neoplastic syndrome. Identifiers: Orphanet 140162, MedGen C0027672, MeSH D009386, MONDO:0015356.
Lynch syndrome 5 (LYNCH5). Also called: Colorectal cancer, hereditary nonpolyposis, type 5; Hereditary non-polyposis colorectal cancer, type 5. Identifiers: Orphanet 144, MedGen C1833477, MONDO:0013710, OMIM 614350. Disease mechanism: loss of function.

Submissions (4):

Department of Clinical Genetics, Copenhagen University Hospital, Rigshospitalet
Classification: Likely pathogenic for Lynch syndrome. Last evaluated: 2025-02-04. Review status: criteria provided, single submitter. Criteria: ACMG Guidelines, 2015. Collection method: clinical testing. Allele origin: germline.
Comment: PM2_SUP; PP3_MOD; PS3; PP4_SUP

Labcorp Genetics (formerly Invitae), Labcorp
Classification: Uncertain significance for Hereditary nonpolyposis colorectal neoplasms. Last evaluated: 2024-05-25. Review status: criteria provided, single submitter. Criteria: Invitae Variant Classification Sherloc (09022015). Collection method: clinical testing. Allele origin: germline.
Comment: This sequence change replaces leucine, which is neutral and non-polar, with proline, which is neutral and non-polar, at codon 637 of the MSH6 protein (p.Leu637Pro). This variant is not present in population databases (gnomAD no frequency). This missense change has been observed in individual(s) with clinical features of MSH6-related conditions (PMID: 22495361). ClinVar contains an entry for this variant (Variation ID: 479958). Advanced modeling of protein sequence and biophysical properties (such as structural, functional, and spatial information, amino acid conservation, physicochemical variation, residue mobility, and thermodynamic stability) has been performed at Invitae for this missense variant, however the output from this modeling did not meet the statistical confidence thresholds required to predict the impact of this variant on MSH6 protein function. Experimental studies have shown that this missense change affects MSH6 function (PMID: 31965077). In summary, the available evidence is currently insufficient to determine the role of this variant in disease. Therefore, it has been classified as a Variant of Uncertain Significance.

Myriad Genetics, Inc.
Classification: Likely pathogenic for Lynch syndrome 5. Last evaluated: 2023-08-16. Review status: criteria provided, single submitter. Criteria: Myriad Autosomal Dominant, Autosomal Recessive and X-Linked Classification Criteria (2023). Collection method: clinical testing. Allele origin: unknown.
Comment: This variant is considered likely pathogenic. Functional studies indicate this variant impacts protein function [PMID: 31965077]. This variant is expected to disrupt protein structure [Myriad internal data].

Ambry Genetics
Classification: Uncertain significance for Hereditary cancer-predisposing syndrome. Last evaluated: 2023-03-07. Review status: criteria provided, single submitter. Criteria: Ambry Variant Classification Scheme 2023. Collection method: clinical testing. Allele origin: germline.
Comment: The p.L637P variant (also known as c.1910T>C), located in coding exon 4 of the MSH6 gene, results from a T to C substitution at nucleotide position 1910. The leucine at codon 637 is replaced by proline, an amino acid with similar properties. This alteration was identified in 1/815 families referred for genetic testing for Lynch syndrome; the tumor of the individual carrying this alteration showed loss of MSH6 protein via imunnohistochemistry analysis (Okkels H et al. Appl. Immunohistochem. Mol. Morphol., 2012 Oct;20:470-7). This variant demonstrated reduced mismatch repair activity in vitro and was determined to be functionally deficient (Drost M et al. Genet Med, 2020 05;22:847-856). This amino acid position is highly conserved in available vertebrate species. In addition, this alteration is predicted to be deleterious by in silico analysis. Since supporting evidence is limited at this time, the clinical significance of this alteration remains unclear.

Literature cited by the submitters: PubMed 31965077 (cited by 4 submitters); PubMed 22495361 (cited by 3 submitters).

NM_000179.3(MSH6):c.1910T>C (p.Leu637Pro)

Gene: MSH6 (mutS homolog 6; plus strand). Cytogenetic location: 2p16.3.
Variant type: single nucleotide variant.
Coding change: c.1910T>C on transcript NM_000179.3 (MANE Select); coding-DNA position 1910, T replaced by C.
Protein change: p.Leu637Pro; replaces leucine 637 with proline.
Molecular consequence: missense variant.
Genome position (GRCh38, 1-based): chr2:47,799,893, T>C. VCF-style: chr2-47799893-T-C. GRCh37 (hg19) VCF-style: chr2-48027032-T-C.
Other names: c.1520T>C, p.Leu507Pro (NM_001281492.2); c.1004T>C, p.Leu335Pro (NM_001281493.2, NM_001281494.2); short protein forms L637P, L335P, L507P.
Identifiers: ClinVar variation 479958 (VCV000479958.11), dbSNP rs1553413288, ClinGen allele CA346750185.